The following is an entry in ClinVar:

ClinVar aggregate classification (germline): Conflicting classifications of pathogenicity. Review status: criteria provided, conflicting classifications (1 of 4 stars). 4 submissions from 4 submitters: Uncertain significance (3); Likely benign (1). Last evaluated 2026-06-11.

Conditions:
Hereditary pancreatitis (PCTT). Also called: Hereditary chronic pancreatitis; PRSS1-Related Hereditary Pancreatitis. Identifiers: Orphanet 676, MedGen C0238339, MONDO:0008185, OMIM 167800.

Allele frequency attached by ClinVar (database versions not stated): TOPMed 0.00004; gnomAD exomes 0.00003 and 0.00004; ExAC 0.00003.
gnomAD v4.1: 61 of 1,614,108 alleles (0.0038%); highest among the groups gnomAD compares: African/African-American, 0.015%; no homozygotes.

Submissions (4):

Ambry Genetics
Classification: Uncertain significance for Hereditary pancreatitis. Last evaluated: 2026-06-11. Review status: criteria provided, single submitter. Criteria: Ambry Variant Classification Scheme 2023. Collection method: clinical testing. Allele origin: germline.

Labcorp Genetics (formerly Invitae), Labcorp
Classification: Uncertain significance for Hereditary pancreatitis. Last evaluated: 2024-10-16. Review status: criteria provided, single submitter. Criteria: Invitae Variant Classification Sherloc (09022015). Collection method: clinical testing. Allele origin: germline.
Comment: This sequence change replaces arginine, which is basic and polar, with histidine, which is basic and polar, at codon 162 of the CTRC protein (p.Arg162His). This variant is present in population databases (rs775404479, gnomAD 0.01%). This missense change has been observed in individual(s) with chronic pancreatitis (PMID: 18172691, 22942235). ClinVar contains an entry for this variant (Variation ID: 874809). Invitae Evidence Modeling of protein sequence and biophysical properties (such as structural, functional, and spatial information, amino acid conservation, physicochemical variation, residue mobility, and thermodynamic stability) has been performed for this missense variant. However, the output from this modeling did not meet the statistical confidence thresholds required to predict the impact of this variant on CTRC protein function. Experimental studies have shown that this missense change does not substantially affect CTRC function (PMID: 22942235). In summary, the available evidence is currently insufficient to determine the role of this variant in disease. Therefore, it has been classified as a Variant of Uncertain Significance.

Mayo Clinic Laboratories, Mayo Clinic
Classification: Uncertain significance. Last evaluated: 2023-08-16. Review status: criteria provided, single submitter. Criteria: ACMG Guidelines, 2015. Collection method: clinical testing. Allele origin: germline. Observed: 1 variant allele.

Illumina Laboratory Services, Illumina
Classification: Likely benign for Hereditary pancreatitis. Last evaluated: 2017-04-28. Review status: criteria provided, single submitter. Criteria: ICSL Variant Classification Criteria 13 December 2019. Collection method: clinical testing. Allele origin: germline.
Comment: This variant was observed as part of a predisposition screen in an ostensibly healthy population. A literature search was performed for the gene, cDNA change, and amino acid change (where applicable). No publications were found based on this search. Allele frequency data from public databases allowed determination this variant is unlikely to cause disease. Therefore, this variant is classified as likely benign.

Literature cited by the submitters: PubMed 18172691 (cited by Labcorp Genetics (formerly Invitae), Labcorp and Mayo Clinic Laboratories, Mayo Clinic); PubMed 22942235 (cited by Labcorp Genetics (formerly Invitae), Labcorp and Mayo Clinic Laboratories, Mayo Clinic); PubMed 21631589 (cited by Mayo Clinic Laboratories, Mayo Clinic); PubMed 23951356 (cited by Mayo Clinic Laboratories, Mayo Clinic); PubMed 32948427 (cited by Mayo Clinic Laboratories, Mayo Clinic).

NM_007272.3(CTRC):c.485G>A (p.Arg162His)

Gene: CTRC (chymotrypsin C; plus strand). Cytogenetic location: 1p36.21.
Variant type: single nucleotide variant.
Coding change: c.485G>A on transcript NM_007272.3 (MANE Select); coding-DNA position 485, G replaced by A.
Protein change: p.Arg162His; replaces arginine 162 with histidine.
Molecular consequence: missense variant.
Genome position (GRCh38, 1-based): chr1:15,443,547, G>A. VCF-style: chr1-15443547-G-A. GRCh37 (hg19) VCF-style: chr1-15770042-G-A.
Other names: p.Arg162His; short protein forms R162H.
Identifiers: ClinVar variation 874809 (VCV000874809.13), dbSNP rs775404479, ClinGen allele CA613344.